The following is an entry in ClinVar:

ClinVar aggregate classification (germline): Likely pathogenic. Review status: criteria provided, multiple submitters, no conflicts (2 of 4 stars). 5 submissions from 5 submitters: Likely pathogenic (3). 2 of the submissions do not count toward it. Last evaluated 2024-05-22.

Conditions:
Alkaptonuria (AKU). Also called: HOMOGENTISIC ACID OXIDASE DEFICIENCY; Alcaptonuria; Alkaptonuric ochronosis; Homogentisic acidura. Identifiers: Orphanet 56, MedGen C0002066, MONDO:0008753, OMIM 203500.

Allele frequency attached by ClinVar (database versions not stated): gnomAD exomes below 0.00001 and 0.00001; gnomAD 0.00001; TOPMed 0.00001; ExAC 0.00002.
gnomAD v4.1: 16 of 1,609,208 alleles (0.00099%); highest among the groups gnomAD compares: Middle Eastern, 0.017%; no homozygotes.

Submissions (5):

Labcorp Genetics (formerly Invitae), Labcorp
Classification: Likely pathogenic for Alkaptonuria. Last evaluated: 2024-05-22. Review status: criteria provided, single submitter. Criteria: Invitae Variant Classification Sherloc (09022015). Collection method: clinical testing. Allele origin: germline.
Comment: This sequence change replaces arginine, which is basic and polar, with tryptophan, which is neutral and slightly polar, at codon 53 of the HGD protein (p.Arg53Trp). This variant is present in population databases (rs759435977, gnomAD 0.003%). This missense change has been observed in individuals with HGD-related conditions (PMID: 11001939, 16085442, 19862842; Invitae). ClinVar contains an entry for this variant (Variation ID: 967274). Advanced modeling of protein sequence and biophysical properties (such as structural, functional, and spatial information, amino acid conservation, physicochemical variation, residue mobility, and thermodynamic stability) performed at Invitae indicates that this missense variant is expected to disrupt HGD protein function with a positive predictive value of 80%. This variant disrupts the p.Arg53 amino acid residue in HGD. Other variant(s) that disrupt this residue have been determined to be pathogenic (PMID: 25681086, 25804398). This suggests that this residue is clinically significant, and that variants that disrupt this residue are likely to be disease-causing. In summary, the currently available evidence indicates that the variant is pathogenic, but additional data are needed to prove that conclusively. Therefore, this variant has been classified as Likely Pathogenic.

Fulgent Genetics
Classification: Likely pathogenic for Alkaptonuria. Last evaluated: 2024-05-13. Review status: criteria provided, single submitter. Criteria: ACMG Guidelines, 2015. Collection method: clinical testing. Allele origin: germline.

Juno Genomics, Hangzhou Juno Genomics, Inc
Classification: Likely pathogenic for Alkaptonuria. Review status: criteria provided, single submitter. Criteria: ACMG Guidelines, 2015. Collection method: clinical testing. Allele origin: germline. Affected: yes.
Comment: Absent from controls (or at extremely low frequency if recessive) in Genome Aggregation Database, Exome Sequencing Project, 1000 Genomes Project, or Exome Aggregation Consortium.;For recessive disorders, detected in trans with a pathogenic variant.;Multiple lines of computational evidence support a deleterious effect on the gene or gene product (conservation, evolutionary, splicing impact, etc).

Department Of Human Genetics, Institute Of Clinical And Translational Research, Biomedical Research Center, Slovak Academy Of Sciences
Classification: Pathogenic for Alkaptonuria. Review status: no assertion criteria provided. Collection method: research. Allele origin: germline. Inheritance: Autosomal recessive inheritance. Affected: yes. Observed: 2 variant alleles. Not counted in ClinVar's aggregate classification.
Comment: The variant was originally described in AKU patient in PMID:11001939. It has been submitted to the HGD gene mutation database (DB-ID: AKU_00011).

Genomics England Pilot Project, Genomics England
Classification: Likely pathogenic for Alkaptonuria. Review status: no assertion criteria provided. Criteria: ACGS Guidelines, 2016. Collection method: clinical testing. Allele origin: germline. Affected: yes. Not counted in ClinVar's aggregate classification.

Literature cited by the submitters: PubMed 11001939 (cited by Labcorp Genetics (formerly Invitae), Labcorp and Department Of Human Genetics, Institute Of Clinical And Translational Research, Biomedical Research Center, Slovak Academy Of Sciences); PubMed 16085442 (cited by Labcorp Genetics (formerly Invitae), Labcorp); PubMed 19862842 (cited by Labcorp Genetics (formerly Invitae), Labcorp); PubMed 25681086 (cited by Labcorp Genetics (formerly Invitae), Labcorp); PubMed 25804398 (cited by Labcorp Genetics (formerly Invitae), Labcorp).

NM_000187.4(HGD):c.157C>T (p.Arg53Trp)

Gene: HGD (homogentisate 1,2-dioxygenase; minus strand). Cytogenetic location: 3q13.33.
Variant type: single nucleotide variant.
Coding change: c.157C>T on transcript NM_000187.4 (MANE Select); coding-DNA position 157, C replaced by T.
Protein change: p.Arg53Trp; replaces arginine 53 with tryptophan.
Molecular consequence: missense variant.
Genome position (GRCh38, 1-based): chr3:120,674,920, G>A on the plus strand (C>T on the coding strand, the complement: HGD is on the minus strand). VCF-style: chr3-120674920-G-A. GRCh37 (hg19) VCF-style: chr3-120393767-G-A.
Other names: short protein forms R53W.
Identifiers: ClinVar variation 967274 (VCV000967274.14), dbSNP rs759435977, ClinGen allele CA2560336.